The following is an entry in ClinVar:

ClinVar aggregate classification (germline): Pathogenic/Likely pathogenic. Review status: criteria provided, multiple submitters, no conflicts (2 of 4 stars). 16 submissions from 14 submitters: Pathogenic (10); Likely pathogenic (5). 1 of the submissions does not count toward it. Last evaluated 2026-08-11.

Conditions:
CRB1-related disorder. Also called: CRB1-related condition; CRB1-related disorders.
Retinitis pigmentosa 12 (RP12). Also called: RP WITH OR WITHOUT PRESERVED PARAARTERIOLE RETINAL PIGMENT EPITHELIUM; RETINITIS PIGMENTOSA WITH OR WITHOUT PARAARTERIOLAR PRESERVATION OF RETINAL PIGMENT EPITHELIUM; RP WITH OR WITHOUT PPRPE. Identifiers: Orphanet 791, MedGen C1838647, MONDO:0010818, OMIM 600105.
Leber congenital amaurosis 8 (LCA8). Identifiers: Orphanet 65, MedGen C3151202, MONDO:0013453, OMIM 613835.
Retinal dystrophy. Also called: Inherited retinal dystrophy. Identifiers: Orphanet 71862, MedGen C0854723, MeSH D058499, MONDO:0019118, HP:0000556.
Pigmented paravenous retinochoroidal atrophy. Identifiers: Orphanet 251295, MedGen C1868310, MONDO:0008246, OMIM 172870.
Leber congenital amaurosis (LCA). Also called: Leber's amaurosis. Identifiers: Orphanet 65, MedGen C0339527, MeSH D057130, MONDO:0018998.

Allele frequency attached by ClinVar (database versions not stated): ExAC 0.00002; TOPMed 0.00002; gnomAD 0.00003.
gnomAD v4.1: 44 of 1,613,766 alleles (0.0027%); highest among the groups gnomAD compares: Non-Finnish European, 0.0033%; no homozygotes.

Submissions 1 to 13 of 16:

PreventionGenetics, part of Exact Sciences
Classification: Pathogenic for CRB1-related condition. Last evaluated: 2026-08-11. Review status: criteria provided, single submitter. Criteria: ACMG Guidelines, 2015. Collection method: clinical testing. Allele origin: germline.
Comment: The CRB1 c.2308G>A variant is predicted to result in the amino acid substitution p.Gly770Ser. This variant has been reported along with a second CRB1 in many individuals with retinal disease (see for examples: Kousal et al. 2016. PubMed ID: 27113771; Table S1, Stone et al. 2017. PubMed ID: 28559085; Table S2, Liu et al. 2020. PubMed ID: 33090715; Table S1, Lin et al. 2024. PubMed ID: 38219857). This variant is present in 0.0062% of alleles in individuals of African descent in gnomAD. This variant is interpreted as pathogenic.

Women's Health and Genetics/Laboratory Corporation of America, LabCorp
Classification: Pathogenic for Retinal dystrophy. Last evaluated: 2026-06-05. Review status: criteria provided, single submitter. Criteria: LabCorp Variant Classification Summary - May 2015. Collection method: clinical testing. Allele origin: germline.
Comment: Variant summary: CRB1 c.2308G>A (p.Gly770Ser) results in a non-conservative amino acid change in the encoded protein sequence. Algorithms developed to predict the effect of missense changes on protein structure and function all suggest that this variant is likely to be disruptive. The variant allele was found at a frequency of 2e-05 in 250752 control chromosomes. c.2308G>A has been observed in multiple individuals affected with Retinal Dystrophy and related conditions (e.g. Hanany_2020, Kousal_2016, Stone_2017, Zobor_2023, Testa_2025). These data indicate that the variant is very likely to be associated with disease. To our knowledge, no experimental evidence demonstrating an impact on protein function has been reported. The following publications have been ascertained in the context of this evaluation (PMID: 31964843, 27113771, 28559085, 40900079, 37240262). ClinVar contains an entry for this variant (Variation ID: 236478). Based on the evidence outlined above, the variant was classified as pathogenic.

Labcorp Genetics (formerly Invitae), Labcorp
Classification: Pathogenic for Leber congenital amaurosis 8; Retinitis pigmentosa 12. Last evaluated: 2025-05-13. Review status: criteria provided, single submitter. Criteria: Invitae Variant Classification Sherloc (09022015). Collection method: clinical testing. Allele origin: germline.
Comment: This sequence change replaces glycine, which is neutral and non-polar, with serine, which is neutral and polar, at codon 770 of the CRB1 protein (p.Gly770Ser). This variant is present in population databases (rs767648174, gnomAD 0.007%). This missense change has been observed in individual(s) with early-onset severe retinal dystrophy and/or retinitis pigmentosa (PMID: 27113771, 27208204, 28559085, 30576320). In at least one individual the data is consistent with being in trans (on the opposite chromosome) from a pathogenic variant. ClinVar contains an entry for this variant (Variation ID: 236478). Invitae Evidence Modeling of protein sequence and biophysical properties (such as structural, functional, and spatial information, amino acid conservation, physicochemical variation, residue mobility, and thermodynamic stability) indicates that this missense variant is expected to disrupt CRB1 protein function with a positive predictive value of 95%. For these reasons, this variant has been classified as Pathogenic.

Natera, Inc.
Classification: Pathogenic for Leber congenital amaurosis. Last evaluated: 2025-02-22. Review status: criteria provided, single submitter. Criteria: Natera Variant Classification Schema (03/2026). Collection method: clinical testing. Allele origin: germline.
Comment: The c.2308G>A variant in CRB1 is a missense variant predicted to cause substitution of glycine to serine at amino acid 770. This variant is rare in the general population with a frequency below the threshold expected for the associated phenotype(s). This variant has been observed in one or more individuals affected with the associated recessive disease, as either homozygous or compound heterozygous with a second variant (PMID: 31879567, 34884448, 27113771, 30576320, 27208204, 31816670). Computational prediction algorithms indicate this variant is likely to affect gene or protein function. Given the available evidence, this variant is classified as Pathogenic.

3billion
Classification: Pathogenic for Retinitis pigmentosa 12. Last evaluated: 2024-12-31. Review status: criteria provided, single submitter. Criteria: ACMG Guidelines, 2015. Collection method: clinical testing. Allele origin: germline. Affected: yes.
Comment: The variant is observed at an extremely low frequency in the gnomAD v4.1.0 dataset (total allele frequency: 0.003%). Predicted Consequence/Location: Missense variant In silico tool predictions suggest damaging effect of the variant on gene or gene product [REVEL: 0.82 (>=0.6, sensitivity 0.68 and specificity 0.92); 3Cnet: 0.96 (>=0.6, sensitivity 0.72 and precision 0.9)]. The same nucleotide change resulting in the same amino acid change has been previously reported as pathogenic/likely pathogenic with strong evidence (ClinVar ID: VCV000236478 /PMID: 27113771). The variant has been reported to be in trans with a pathogenic variant as either compound heterozygous or homozygous in at least 4 similarly affected unrelated individuals (PMID: 27113771, 27208204, 28559085, 30576320). Different missense changes at the same codon (p.Gly770Arg, p.Gly770Val) have been reported to be associated with CRB1-related disorder (PMID: 23379534, 24265693). Therefore, this variant is classified as Pathogenic according to the recommendation of ACMG/AMP guideline.

Fulgent Genetics
Classification: Pathogenic for Pigmented paravenous retinochoroidal atrophy; Retinitis pigmentosa 12; Leber congenital amaurosis 8. Last evaluated: 2024-03-21. Review status: criteria provided, single submitter. Criteria: ACMG Guidelines, 2015. Collection method: clinical testing. Allele origin: germline.

Baylor Genetics
Classification: Pathogenic for Leber congenital amaurosis 8. Last evaluated: 2024-03-19. Review status: criteria provided, single submitter. Criteria: ACMG Guidelines, 2015. Collection method: clinical testing. Allele origin: unknown.

Blueprint Genetics
Classification: Pathogenic for CRB1-related disorders. Last evaluated: 2023-12-26. Review status: criteria provided, single submitter. Criteria: ACMG Guidelines, 2015. Collection method: clinical testing. Allele origin: germline. Affected: yes. Observed: 5 variant alleles.

Dept Of Ophthalmology, Nagoya University
Classification: Pathogenic for Retinal dystrophy. Last evaluated: 2023-10-01. Review status: criteria provided, single submitter. Criteria: Submitter's publication. Collection method: research. Allele origin: germline. Affected: yes.

Genome-Nilou Lab
Classification: Likely pathogenic for Leber congenital amaurosis 8. Last evaluated: 2023-04-11. Review status: criteria provided, single submitter. Criteria: ACMG Guidelines, 2015. Collection method: clinical testing. Allele origin: germline. Affected: no.

Genome-Nilou Lab
Classification: Likely pathogenic for Pigmented paravenous retinochoroidal atrophy. Last evaluated: 2023-04-11. Review status: criteria provided, single submitter. Criteria: ACMG Guidelines, 2015. Collection method: clinical testing. Allele origin: germline. Affected: no.

Genome-Nilou Lab
Classification: Likely pathogenic for Retinitis pigmentosa 12. Last evaluated: 2023-04-11. Review status: criteria provided, single submitter. Criteria: ACMG Guidelines, 2015. Collection method: clinical testing. Allele origin: germline. Affected: no.

Institute of Human Genetics, Univ. Regensburg, Univ. Regensburg
Classification: Likely pathogenic for Retinal dystrophy. Last evaluated: 2023-01-01. Review status: criteria provided, single submitter. Criteria: ACMG Guidelines, 2015. Collection method: clinical testing. Allele origin: germline. Affected: yes.

NM_201253.3(CRB1):c.2308G>A (p.Gly770Ser)

Gene: CRB1 (crumbs cell polarity complex component 1; plus strand). Cytogenetic location: 1q31.3.
Variant type: single nucleotide variant.
Coding change: c.2308G>A on transcript NM_201253.3 (MANE Select); coding-DNA position 2308, G replaced by A.
Protein change: p.Gly770Ser; replaces glycine 770 with serine.
Molecular consequence: missense variant. On other transcripts: non-coding transcript variant (2), intron variant (1).
Genome position (GRCh38, 1-based): chr1:197,427,633, G>A. VCF-style: chr1-197427633-G-A. GRCh37 (hg19) VCF-style: chr1-197396763-G-A.
Other names: c.1972G>A, p.Gly658Ser (NM_001193640.2); c.2101G>A, p.Gly701Ser (NM_001257965.2); c.2128+5677G>A (NM_001257966.2); short protein forms G770S, G658S, G701S.
Identifiers: ClinVar variation 236478 (VCV000236478.23), dbSNP rs767648174, ClinGen allele CA1312098.
Genomic context (GRCh38, chr1:197,427,633, plus strand): 5'-GGCTTACTTCTAGCTTTGGAAAACAGCACTTATCAATATATCCGTGTCTGGCTAGAGCGC[G>A]GCAGACTAGCAATGCTGACTCCAAACTCTCCCAAATTAGTAGTAAAATTTGTTCTTAATG-3'
Protein context (NP_957705.1, residues 760-780): YQYIRVWLER[Gly770Ser]RLAMLTPNSP